The following is an entry in ClinVar:

NM_000388.4(CASR):c.2287A>C (p.Ile763Leu)

Gene: CASR (calcium sensing receptor; plus strand). Cytogenetic location: 3q21.1.
Variant type: single nucleotide variant.
Coding change: c.2287A>C on transcript NM_000388.4 (MANE Select); coding-DNA position 2287, A replaced by C.
Protein change: p.Ile763Leu; replaces isoleucine 763 with leucine.
Molecular consequence: missense variant.
Genome position (GRCh38, 1-based): chr3:122,284,241, A>C. VCF-style: chr3-122284241-A-C. GRCh37 (hg19) VCF-style: chr3-122003088-A-C.
Other names: c.2317A>C, p.Ile773Leu (NM_001178065.2); c.2287A>C (NM_000388.3); short protein forms I763L, I773L.
Identifiers: ClinVar variation 2950671 (VCV002950671.4), dbSNP rs2473279220, ClinGen allele CA354159326.
Genomic context (GRCh38, chr3:122,284,241, plus strand): 5'-CTCTACACCGCGCCCCCGTCAAGCTACCGCAACCAGGAGCTGGAGGATGAGATCATCTTC[A>C]TCACGTGCCACGAGGGCTCCCTCATGGCCCTGGGCTTCCTGATCGGCTACACCTGCCTGC-3'
Protein context (NP_000379.3, residues 753-773): NQELEDEIIF[Ile763Leu]TCHEGSLMAL

ClinVar aggregate classification (germline): Uncertain significance. Review status: criteria provided, multiple submitters, no conflicts (2 of 4 stars). 2 submissions from 2 submitters: Uncertain significance (2). Last evaluated 2024-02-15.

Conditions:
Nephrolithiasis/nephrocalcinosis. Identifiers: MedGen CN580796.
Autosomal dominant hypocalcemia 1 (HYPOC1). Also called: HYPOCALCEMIA, FAMILIAL. Identifiers: MedGen C3715128, MONDO:0011013, OMIM 601198.
Familial hypocalciuric hypercalcemia (FHH). Also called: Familial benign hypercalcemia. Identifiers: Orphanet 405, MedGen C1809471, MONDO:0018458.

gnomAD v4.1: 1 of 1,614,092 alleles (0.000062%); no homozygotes.

Submissions (2):

Labcorp Genetics (formerly Invitae), Labcorp
Classification: Uncertain significance for Familial hypocalciuric hypercalcemia; Autosomal dominant hypocalcemia 1. Last evaluated: 2024-02-15. Review status: criteria provided, single submitter. Criteria: Invitae Variant Classification Sherloc (09022015). Collection method: clinical testing. Allele origin: germline.
Comment: This sequence change replaces isoleucine, which is neutral and non-polar, with leucine, which is neutral and non-polar, at codon 763 of the CASR protein (p.Ile763Leu). This variant is not present in population databases (gnomAD no frequency). This variant has not been reported in the literature in individuals affected with CASR-related conditions. An algorithm developed to predict the effect of missense changes on protein structure and function (PolyPhen-2) suggests that this variant is likely to be tolerated. In summary, the available evidence is currently insufficient to determine the role of this variant in disease. Therefore, it has been classified as a Variant of Uncertain Significance.

Ambry Genetics
Classification: Uncertain significance for Nephrolithiasis/nephrocalcinosis. Last evaluated: 2023-11-08. Review status: criteria provided, single submitter. Criteria: Ambry Variant Classification Scheme 2023. Collection method: clinical testing. Allele origin: germline.
Comment: The p.I763L variant (also known as c.2287A>C), located in coding exon 6 of the CASR gene, results from an A to C substitution at nucleotide position 2287. The isoleucine at codon 763 is replaced by leucine, an amino acid with highly similar properties. This amino acid position is conserved. In addition, the in silico prediction for this alteration is inconclusive. Since supporting evidence is limited at this time, the clinical significance of this alteration remains unclear.